The following is an entry in ClinVar:

ClinVar aggregate classification (germline): Likely benign. Review status: criteria provided, multiple submitters, no conflicts (2 of 4 stars). 3 submissions from 3 submitters: Likely benign (3). Last evaluated 2025-11-03.

Conditions:
SCN11A-related disorder. Also called: SCN11A-related condition.
Inborn genetic diseases. Identifiers: MedGen C0950123, MeSH D030342.
Hereditary sensory and autonomic neuropathy type 7. Also called: Neuropathy, hereditary sensory and autonomic, type VII; HSAN VII. Identifiers: Orphanet 391397, MedGen C3809882, MONDO:0014244, OMIM 615548.
Familial episodic pain syndrome with predominantly lower limb involvement. Also called: Episodic pain syndrome, familial, 3. Identifiers: Orphanet 391384, Orphanet 391392, MedGen C3809899, MONDO:0014247, OMIM 615552.

Allele frequency attached by ClinVar (database versions not stated): ESP Exome Variant Server 0.00008; gnomAD exomes 0.00008; ExAC 0.00009; TOPMed 0.00009; gnomAD 0.00013 and 0.00015; 1000 Genomes Project 30x 0.00016; 1000 Genomes Project 0.00020.
gnomAD v4.1: 101 of 1,613,942 alleles (0.0063%); highest among the groups gnomAD compares: Non-Finnish European, 0.0074%; no homozygotes.

Submissions (3):

PreventionGenetics, part of Exact Sciences
Classification: Likely benign for SCN11A-related condition. Last evaluated: 2025-11-03. Review status: criteria provided, single submitter. Criteria: ACMG Guidelines, 2015. Collection method: clinical testing. Allele origin: germline.
Comment: This variant is classified as likely benign based on ACMG/AMP sequence variant interpretation guidelines (Richards et al. 2015 PMID: 25741868, with internal and published modifications).

Labcorp Genetics (formerly Invitae), Labcorp
Classification: Likely benign for Familial episodic pain syndrome with predominantly lower limb involvement; Hereditary sensory and autonomic neuropathy type 7. Last evaluated: 2025-08-18. Review status: criteria provided, single submitter. Criteria: Invitae Variant Classification Sherloc (09022015). Collection method: clinical testing. Allele origin: germline.

Ambry Genetics
Classification: Likely benign for Inborn genetic diseases. Last evaluated: 2019-09-25. Review status: criteria provided, single submitter. Criteria: Ambry Variant Classification Scheme 2023. Collection method: clinical testing. Allele origin: germline.

NM_001349253.2(SCN11A):c.1863A>G (p.Ile621Met)

Gene: SCN11A (sodium voltage-gated channel alpha subunit 11; minus strand). Cytogenetic location: 3p22.2.
Variant type: single nucleotide variant.
Coding change: c.1863A>G on transcript NM_001349253.2 (MANE Select); coding-DNA position 1863, A replaced by G.
Protein change: p.Ile621Met; replaces isoleucine 621 with methionine.
Molecular consequence: missense variant.
Genome position (GRCh38, 1-based): chr3:38,900,053, T>C on the plus strand (A>G on the coding strand, the complement: SCN11A is on the minus strand). VCF-style: chr3-38900053-T-C. GRCh37 (hg19) VCF-style: chr3-38941544-T-C.
Other names: c.1863A>G, p.Ile621Met (NM_014139.3); short protein forms I621M.
Identifiers: ClinVar variation 541578 (VCV000541578.14), dbSNP rs370738551, ClinGen allele CA2322185.